The following is an entry in ClinVar:

ClinVar aggregate classification (germline): Conflicting classifications of pathogenicity. Review status: criteria provided, conflicting classifications (1 of 4 stars). 3 submissions from 3 submitters: Likely pathogenic (1); Uncertain significance (2). Last evaluated 2024-10-17.

Conditions:
BBS10-related disorder. Also called: BBS10-related condition.
Bardet-Biedl syndrome (BBS). Identifiers: Orphanet 110, MedGen C0752166, MONDO:0015229.

Allele frequency attached by ClinVar (database versions not stated): gnomAD 0.00001; gnomAD exomes 0.00001; TOPMed 0.00001; ExAC 0.00002.

Submissions (3):

PreventionGenetics, part of Exact Sciences
Classification: Uncertain significance for BBS10-related condition. Last evaluated: 2024-10-17. Review status: criteria provided, single submitter. Criteria: ACMG Guidelines, 2015. Collection method: clinical testing. Allele origin: germline.
Comment: The BBS10 c.2_5delTGTT variant is predicted to disrupt the translation initiation site (p.Met1?). To our knowledge, this variant has not been reported in individuals with Bardet-Biedl syndrome. This variant is reported in 0.0012% of alleles in individuals of European (Non-Finnish) descent in gnomAD. At this time, the clinical significance of this variant is uncertain due to the absence of conclusive functional and genetic evidence.

Labcorp Genetics (formerly Invitae), Labcorp
Classification: Uncertain significance for Bardet-Biedl syndrome. Last evaluated: 2022-05-16. Review status: criteria provided, single submitter. Criteria: Invitae Variant Classification Sherloc (09022015). Collection method: clinical testing. Allele origin: germline.
Comment: This sequence change affects the initiator methionine of the BBS10 mRNA. The next in-frame methionine is located at codon 5. This variant is present in population databases (rs758575118, gnomAD 0.001%). This variant has not been reported in the literature in individuals affected with BBS10-related conditions. Experimental studies and prediction algorithms are not available or were not evaluated, and the functional significance of this variant is currently unknown. In summary, the available evidence is currently insufficient to determine the role of this variant in disease. Therefore, it has been classified as a Variant of Uncertain Significance.

Blueprint Genetics
Classification: Likely pathogenic for BBS10-related disorders. Last evaluated: 2019-07-21. Review status: criteria provided, single submitter. Criteria: ACMG Guidelines, 2015. Collection method: clinical testing. Allele origin: germline. Affected: yes. Observed: 1 variant allele.

NM_024685.4(BBS10):c.2_5del (p.Met1fs)

Gene: BBS10 (Bardet-Biedl syndrome 10; minus strand). Cytogenetic location: 12q21.2.
Variant type: Deletion.
Coding change: c.2_5del on transcript NM_024685.4 (MANE Select); coding-DNA positions 2 to 5, 4 bases deleted (TGTT; older notation c.2_5delTGTT).
Protein change: p.Met1fs; shifts the reading frame from methionine 1.
Molecular consequence: frameshift variant, initiator codon variant.
Genome position (GRCh38, 1-based): chr12:76,348,354-76,348,357, AACA deleted on the plus strand (TGTT on the coding strand, the reverse complement: BBS10 is on the minus strand). VCF-style (leftmost placement, unchanged base first): chr12-76348353-TAACA-T. GRCh37 (hg19) VCF-style: chr12-76742133-TAACA-T.
Other names: c.2_5delTGTT (NM_024685.3); short protein forms M1fs.
Identifiers: ClinVar variation 2158383 (VCV002158383.4), dbSNP rs758575118, ClinGen allele CA6694447.
Genomic context (GRCh38, chr12:76,348,353, plus strand): 5'-TTCCAGCACCTCGGCCACCTGCAACGCCGCCTTCACAGACCCTGCAGCGGCCATAGAACT[TAACA>T]TATCTGGGCCGCTTCCCCTTTTTGACCAGCTTGCAGAACACCCGGGCCGACCGAAAACAG-3'